The following is an entry in ClinVar:

ClinVar aggregate classification (germline): Conflicting classifications of pathogenicity. Review status: criteria provided, conflicting classifications (1 of 4 stars). 2 submissions from 2 submitters: Likely pathogenic (1); Uncertain significance (1). Last evaluated 2025-08-12.

Conditions:
CEP135-related disorder. Also called: CEP135-related condition.
Microcephaly 8, primary, autosomal recessive. Identifiers: Orphanet 2512, MedGen C3553414, MONDO:0013849, OMIM 614673.

gnomAD v4.1: 23 of 1,612,096 alleles (0.0014%); highest among the groups gnomAD compares: South Asian, 0.0077%; no homozygotes.

Submissions (2):

PreventionGenetics, part of Exact Sciences
Classification: Uncertain significance for CEP135-related condition. Last evaluated: 2025-08-12. Review status: criteria provided, single submitter. Criteria: ACMG Guidelines, 2015. Collection method: clinical testing. Allele origin: germline.
Comment: The CEP135 c.3325C>T variant is predicted to result in premature protein termination (p.Arg1109*). To our knowledge, this variant has not been reported in the literature. This variant is reported in 0.0098% of alleles in individuals of South Asian descent in gnomAD. The variant is located in the same exon with the stop codon. No truncating variant in the 3' region of this variant has been reported in the literature (Human Gene Mutation Database). This variant is classified as likely pathogenic in ClinVar (Variation ID: 3779507). Although we suspect that this variant may be pathogenic, at this time, the clinical significance of this variant is uncertain due to the absence of conclusive functional and genetic evidence.

Department of Pathology and Laboratory Medicine, Sinai Health System
Classification: Likely pathogenic for Microcephaly 8, primary, autosomal recessive. Last evaluated: 2023-02-05. Review status: criteria provided, single submitter. Criteria: ACMG Guidelines, 2015. Collection method: research. Allele origin: germline.

NM_025009.5(CEP135):c.3325C>T (p.Arg1109Ter)

Gene: CEP135 (centrosomal protein 135; plus strand). Cytogenetic location: 4q12.
Variant type: single nucleotide variant.
Coding change: c.3325C>T on transcript NM_025009.5 (MANE Select); coding-DNA position 3325, C replaced by T.
Protein change: p.Arg1109Ter; replaces arginine 1109 with a stop codon.
Molecular consequence: nonsense.
Genome position (GRCh38, 1-based): chr4:56,024,505, C>T. VCF-style: chr4-56024505-C-T. GRCh37 (hg19) VCF-style: chr4-56890671-C-T.
Other names: c.3325C>T (NM_025009.4); short protein forms R1109*.
Identifiers: ClinVar variation 3779507 (VCV003779507.2).